The following is an entry in ClinVar:

ClinVar aggregate classification (germline): Uncertain significance (1 of 4 stars; one submission).

Conditions:
Hereditary cancer-predisposing syndrome. Also called: Neoplastic Syndromes, Hereditary; Tumor predisposition; Hereditary neoplastic syndrome; Hereditary Cancer Syndrome. Identifiers: Orphanet 140162, MedGen C0027672, MeSH D009386, MONDO:0015356.

Submission:

Ambry Genetics
Classification: Uncertain significance for Hereditary cancer-predisposing syndrome. Last evaluated: 2022-12-29. Review status: criteria provided, single submitter. Criteria: Ambry Variant Classification Scheme 2023. Collection method: clinical testing. Allele origin: germline.
Comment: The p.A219G variant (also known as c.656C>G), located in coding exon 6 of the APC gene, results from a C to G substitution at nucleotide position 656. The alanine at codon 219 is replaced by glycine, an amino acid with similar properties. This amino acid position is conserved. In addition, in silico predictors for this gene do not accurately predict pathogenicity. Since supporting evidence is limited at this time, the clinical significance of this alteration remains unclear.

NM_000038.6(APC):c.656C>G (p.Ala219Gly)

Gene: APC (APC regulator of Wnt signaling pathway; plus strand). Cytogenetic location: 5q22.2.
Variant type: single nucleotide variant.
Coding change: c.656C>G on transcript NM_000038.6 (MANE Select); coding-DNA position 656, C replaced by G.
Protein change: p.Ala219Gly; replaces alanine 219 with glycine.
Molecular consequence: missense variant. On other transcripts: 5 prime UTR variant (4), non-coding transcript variant (2), intron variant (5).
Genome position (GRCh38, 1-based): chr5:112,792,456, C>G. VCF-style: chr5-112792456-C-G. GRCh37 (hg19) VCF-style: chr5-112128153-C-G.
Other names: c.656C>G, p.Ala219Gly (NM_001127510.3, NM_001354895.2, NM_001354896.2 and 12 more transcripts); c.686C>G, p.Ala229Gly (NM_001354897.2, NM_001354902.2, NM_001407446.1); c.581C>G, p.Ala194Gly (NM_001354898.2, NM_001354904.2, NM_001407451.1); c.479C>G, p.Ala160Gly (NM_001354900.2, NM_001354901.2, NM_001354905.2 and 1 more transcripts); c.-380C>G (NM_001354906.2, NM_001407470.1, NM_001407471.1 and 1 more transcripts); c.646-8823C>G (NM_001407452.1, NM_001407469.1, NM_001354899.2 and 1 more transcripts); c.676-8823C>G (NM_001127511.3); short protein forms A160G, A194G, A219G, A229G.
Identifiers: ClinVar variation 3230918 (VCV003230918.1), dbSNP rs1561502152, ClinGen allele CA16022769.